The following is an entry in ClinVar:

ClinVar aggregate classification (germline): Uncertain significance (1 of 4 stars; one submission).

Conditions:
Cohen syndrome (COH1). Also called: Cutis verticis gyrata, retinitis pigmentosa, and sensorineural deafness; PEPPER SYNDROME. Identifiers: Orphanet 193, MedGen C0265223, MONDO:0008999, OMIM 216550.

Allele frequency attached by ClinVar (database versions not stated): gnomAD exomes below 0.00001.
gnomAD v4.1: 2 of 1,613,500 alleles (0.00012%); highest among the groups gnomAD compares: Non-Finnish European, 0.00017%; no homozygotes.

Submission:

Labcorp Genetics (formerly Invitae), Labcorp
Classification: Uncertain significance for Cohen syndrome. Last evaluated: 2021-11-21. Review status: criteria provided, single submitter. Criteria: Invitae Variant Classification Sherloc (09022015). Collection method: clinical testing. Allele origin: germline.
Comment: This sequence change falls in intron 9 of the VPS13B gene. It does not directly change the encoded amino acid sequence of the VPS13B protein. It affects a nucleotide within the consensus splice site. This variant is not present in population databases (gnomAD no frequency). This variant has not been reported in the literature in individuals affected with VPS13B-related conditions. Variants that disrupt the consensus splice site are a relatively common cause of aberrant splicing (PMID: 17576681, 9536098). Algorithms developed to predict the effect of sequence changes on RNA splicing suggest that this variant is not likely to affect RNA splicing. In summary, the available evidence is currently insufficient to determine the role of this variant in disease. Therefore, it has been classified as a Variant of Uncertain Significance.

Literature cited by the submitters: PubMed 17576681; PubMed 9536098.

NM_152564.5(VPS13B):c.1303-3T>C

Gene: VPS13B (vacuolar protein sorting 13 homolog B; plus strand). Cytogenetic location: 8q22.2.
Variant type: single nucleotide variant.
Coding change: c.1303-3T>C on transcript NM_152564.5 (MANE Select); 3 bases into the intron before coding-DNA position 1303, T replaced by C.
Molecular consequence: intron variant.
Genome position (GRCh38, 1-based): chr8:99,135,012, T>C. VCF-style: chr8-99135012-T-C. GRCh37 (hg19) VCF-style: chr8-100147240-T-C.
Other names: c.1303-3T>C (NM_017890.5, NM_015243.3).
Identifiers: ClinVar variation 1502926 (VCV001502926.3), dbSNP rs1464515241, ClinGen allele CA857526471.